The following is an entry in ClinVar:

ClinVar aggregate classification (germline): Uncertain significance (1 of 4 stars; one submission).

Submission:

Labcorp Genetics (formerly Invitae), Labcorp
Classification: Uncertain significance. Last evaluated: 2025-09-10. Review status: criteria provided, single submitter. Criteria: Invitae Variant Classification Sherloc (09022015). Collection method: clinical testing. Allele origin: germline.
Comment: This sequence change replaces arginine, which is basic and polar, with lysine, which is basic and polar, at codon 1214 of the ALPK3 protein (p.Arg1214Lys). This variant is not present in population databases (gnomAD no frequency). This variant has not been reported in the literature in individuals affected with ALPK3-related conditions. Invitae Evidence Modeling of protein sequence and biophysical properties (such as structural, functional, and spatial information, amino acid conservation, physicochemical variation, residue mobility, and thermodynamic stability) indicates that this missense variant is expected to disrupt ALPK3 protein function with a positive predictive value of 80%. In summary, the available evidence is currently insufficient to determine the role of this variant in disease. Therefore, it has been classified as a Variant of Uncertain Significance.

NM_020778.5(ALPK3):c.3035G>A (p.Arg1012Lys)

Gene: ALPK3 (alpha kinase 3; plus strand). Cytogenetic location: 15q25.3.
Variant type: single nucleotide variant.
Coding change: c.3035G>A on transcript NM_020778.5 (MANE Select); coding-DNA position 3035, G replaced by A.
Protein change: p.Arg1012Lys; replaces arginine 1012 with lysine.
Molecular consequence: missense variant.
Genome position (GRCh38, 1-based): chr15:84,857,773, G>A. VCF-style: chr15-84857773-G-A. GRCh37 (hg19) VCF-style: chr15-85401004-G-A.
Other names: short protein forms R1012K.
Identifiers: ClinVar variation 4736648 (VCV004736648.1).
Genomic context (GRCh38, chr15:84,857,773, plus strand): 5'-TGCCCTCAGCCACTCTGACACCCACTGTGGAAGTGGCTGGGCTTAGTCCCCGGACATCGA[G>A]GCGCATCCTGGAGCGTGTGGAGAACAACCACCTGGTGCAGAGTGCACAGACCCTGCTGCT-3'
Protein context (NP_065829.4, residues 1002-1022): EVAGLSPRTS[Arg1012Lys]RILERVENNH